The following is an entry in ClinVar:

NM_021076.4(NEFH):c.934C>T (p.Arg312Cys)

Gene: NEFH (neurofilament heavy chain; plus strand). Cytogenetic location: 22q12.2.
Variant type: single nucleotide variant.
Coding change: c.934C>T on transcript NM_021076.4 (MANE Select); coding-DNA position 934, C replaced by T.
Protein change: p.Arg312Cys; replaces arginine 312 with cysteine.
Molecular consequence: missense variant.
Genome position (GRCh38, 1-based): chr22:29,483,425, C>T. VCF-style: chr22-29483425-C-T. GRCh37 (hg19) VCF-style: chr22-29879414-C-T.
Other names: short protein forms R312C.
Identifiers: ClinVar variation 1335478 (VCV001335478.43), dbSNP rs372588415, ClinGen allele CA10174069.
Genomic context (GRCh38, chr22:29,483,425, plus strand): 5'-TCTCCCCCAGTGAGGCTGGACCGACTGTCGGAGGCAGCCAAGGTGAACACAGACGCTATG[C>T]GCTCAGCGCAGGAGGAGATAACTGAGTACCGGCGTCAGCTGCAGGCCAGGACCACAGAGC-3'
Protein context (NP_066554.2, residues 302-322): EAAKVNTDAM[Arg312Cys]SAQEEITEYR

ClinVar aggregate classification (germline): Conflicting classifications of pathogenicity. Review status: criteria provided, conflicting classifications (1 of 4 stars). 5 submissions from 5 submitters: Uncertain significance (3); Likely benign (1). 1 of the submissions does not count toward it. Last evaluated 2025-05-26.

Conditions:
NEFH-related disorder. Also called: NEFH-related condition.
Inborn genetic diseases. Identifiers: MedGen C0950123, MeSH D030342.

Allele frequency attached by ClinVar (database versions not stated): ExAC 0.00005; gnomAD exomes 0.00005; ESP Exome Variant Server 0.00008; gnomAD 0.00009; TOPMed 0.00012.
gnomAD v4.1: 79 of 1,613,794 alleles (0.0049%); highest among the groups gnomAD compares: African/African-American, 0.017%; no homozygotes.

Submissions (5):

Labcorp Genetics (formerly Invitae), Labcorp
Classification: Uncertain significance. Last evaluated: 2025-05-26. Review status: criteria provided, single submitter. Criteria: Invitae Variant Classification Sherloc (09022015). Collection method: clinical testing. Allele origin: germline.
Comment: This sequence change replaces arginine, which is basic and polar, with cysteine, which is neutral and slightly polar, at codon 312 of the NEFH protein (p.Arg312Cys). This variant is present in population databases (rs372588415, gnomAD 0.02%). This variant has not been reported in the literature in individuals affected with NEFH-related conditions. ClinVar contains an entry for this variant (Variation ID: 1335478). Invitae Evidence Modeling of protein sequence and biophysical properties (such as structural, functional, and spatial information, amino acid conservation, physicochemical variation, residue mobility, and thermodynamic stability) indicates that this missense variant is not expected to disrupt NEFH protein function with a negative predictive value of 95%. In summary, the available evidence is currently insufficient to determine the role of this variant in disease. Therefore, it has been classified as a Variant of Uncertain Significance.

GeneDx
Classification: Uncertain significance. Last evaluated: 2024-03-18. Review status: criteria provided, single submitter. Criteria: GeneDx Variant Classification Process June 2021. Collection method: clinical testing. Allele origin: germline. Affected: yes.
Comment: In silico analysis supports that this missense variant has a deleterious effect on protein structure/function; Has not been previously published as pathogenic or benign to our knowledge

CeGaT Center for Human Genetics Tuebingen
Classification: Uncertain significance. Last evaluated: 2021-10-01. Review status: criteria provided, single submitter. Criteria: CeGaT Center For Human Genetics Tuebingen Variant Classification Criteria Version 2. Collection method: clinical testing. Allele origin: germline. Affected: yes. Observed: 1 variant allele.

Ambry Genetics
Classification: Likely benign for Inborn genetic diseases. Last evaluated: 2021-04-19. Review status: criteria provided, single submitter. Criteria: Ambry Variant Classification Scheme 2023. Collection method: clinical testing. Allele origin: germline.

PreventionGenetics, part of Exact Sciences
Classification: Uncertain significance for NEFH-related condition. Last evaluated: 2024-01-26. Review status: no assertion criteria provided. Collection method: clinical testing. Allele origin: germline. Not counted in ClinVar's aggregate classification.
Comment: The NEFH c.934C>T variant is predicted to result in the amino acid substitution p.Arg312Cys. To our knowledge, this variant has not been reported in the literature. This variant is reported in 0.020% of alleles in individuals of African descent in gnomAD. At this time, the clinical significance of this variant is uncertain due to the absence of conclusive functional and genetic evidence.